The following is an entry in ClinVar:

ClinVar aggregate classification (germline): Likely benign (1 of 4 stars; one submission).

Conditions:
Cleft lip/palate-ectodermal dysplasia syndrome (CLPED1). Also called: ECTODERMAL DYSPLASIA, CLEFT LIP AND PALATE, MENTAL RETARDATION, AND SYNDACTYLY; ECTODERMAL DYSPLASIA, MARGARITA ISLAND TYPE; ECTODERMAL DYSPLASIA, TYPE 4; Zlotogora syndrome; ZLOTOGORA-OGUR SYNDROME. Identifiers: Orphanet 3253, MedGen C2931488, MONDO:0009151, OMIM 225060.

Allele frequency attached by ClinVar (database versions not stated): gnomAD exomes 0.00457; 1000 Genomes Project 0.05331; gnomAD 0.05396 and 0.05825; 1000 Genomes Project 30x 0.05903; TOPMed 0.06221.
gnomAD v4.1: 12,099 of 985,390 alleles (1.2%); highest among the groups gnomAD compares: African/African-American, 19%; 1,101 homozygotes.

Submission:

Illumina Laboratory Services, Illumina
Classification: Likely benign for Cleft lip/palate-ectodermal dysplasia syndrome. Last evaluated: 2018-01-13. Review status: criteria provided, single submitter. Criteria: ICSL Variant Classification Criteria 13 December 2019. Collection method: clinical testing. Allele origin: germline.
Comment: This variant was observed in the ICSL laboratory as part of a predisposition screen in an ostensibly healthy population. It had not been previously curated by ICSL or reported in the Human Gene Mutation Database (HGMD: prior to June 1st, 2018), and was therefore a candidate for classification through an automated scoring system. Utilizing variant allele frequency, disease prevalence and penetrance estimates, and inheritance mode, an automated score was calculated to assess if this variant is too frequent to cause the disease. Based on the score and internal cut-off values, a variant classified as likely benign is not then subjected to further curation. The score for this variant resulted in a classification of likely benign for this disease.

NM_002855.5(NECTIN1):c.*1391C>T

Gene: NECTIN1 (nectin cell adhesion molecule 1; minus strand). Cytogenetic location: 11q23.3.
Variant type: single nucleotide variant.
Coding change: c.*1391C>T on transcript NM_002855.5 (MANE Select); 1391 bases downstream of the stop codon, C replaced by T.
Molecular consequence: 3 prime UTR variant. On other transcripts: intron variant (1).
Genome position (GRCh38, 1-based): chr11:119,663,356, G>A on the plus strand (C>T on the coding strand, the complement: NECTIN1 is on the minus strand). VCF-style: chr11-119663356-G-A. GRCh37 (hg19) VCF-style: chr11-119534066-G-A.
Other names: c.1003+11803C>T (NM_203285.2).
Identifiers: ClinVar variation 880141 (VCV000880141.5), dbSNP rs73573188, ClinGen allele CA15706961.